The following is an entry in ClinVar:

NM_030662.4(MAP2K2):c.847G>A (p.Val283Met)

Gene: MAP2K2 (mitogen-activated protein kinase kinase 2; minus strand). Cytogenetic location: 19p13.3.
Variant type: single nucleotide variant.
Coding change: c.847G>A on transcript NM_030662.4 (MANE Select); coding-DNA position 847, G replaced by A.
Protein change: p.Val283Met; replaces valine 283 with methionine.
Molecular consequence: missense variant.
Genome position (GRCh38, 1-based): chr19:4,099,273, C>T on the plus strand (G>A on the coding strand, the complement: MAP2K2 is on the minus strand). VCF-style: chr19-4099273-C-T. GRCh37 (hg19) VCF-style: chr19-4099271-C-T.
Other names: short protein forms V283M.
Identifiers: ClinVar variation 496476 (VCV000496476.13), dbSNP rs185999703, ClinGen allele CA9090816.
Genomic context (GRCh38, chr19:4,099,273, plus strand): 5'-GCCCGGGGGGCCTCGGCCGAGGCGAGATGCTGTGAGGCTCTCCTTCTTCCCCGTCGACCA[C>T]GGGCCGGCCAAAGATGGCCTCCAGCTCTTTGGCGTCGGGCGGGGGGATGGGGTACCTTCC-3'
Protein context (NP_109587.1, residues 273-293): KELEAIFGRP[Val283Met]VDGEEGEPHS

ClinVar aggregate classification (germline): Conflicting classifications of pathogenicity. Review status: criteria provided, conflicting classifications (1 of 4 stars). 4 submissions from 4 submitters: Uncertain significance (2); Likely benign (2). Last evaluated 2025-06-10.

Conditions:
RASopathy. Also called: rasopathies; Noonan spectrum disorder. Identifiers: Orphanet 536391, MedGen C5555857, MONDO:0021060.
Cardiofaciocutaneous syndrome 4 (CFC4). Also called: MAP2K2-Related Cardiofaciocutaneous Syndrome. Identifiers: Orphanet 1340, MedGen C3809007, MONDO:0014114, OMIM 615280.

Allele frequency attached by ClinVar (database versions not stated): TOPMed 0.00008.
gnomAD v4.1: 46 of 1,605,814 alleles (0.0029%); highest among the groups gnomAD compares: Admixed American, 0.02%; 1 homozygote.

Submissions (4):

Labcorp Genetics (formerly Invitae), Labcorp
Classification: Uncertain significance for RASopathy. Last evaluated: 2025-06-10. Review status: criteria provided, single submitter. Criteria: Invitae Variant Classification Sherloc (09022015). Collection method: clinical testing. Allele origin: germline.
Comment: This sequence change replaces valine, which is neutral and non-polar, with methionine, which is neutral and non-polar, at codon 283 of the MAP2K2 protein (p.Val283Met). This variant is present in population databases (rs185999703, gnomAD 0.009%). This variant has not been reported in the literature in individuals affected with MAP2K2-related conditions. ClinVar contains an entry for this variant (Variation ID: 496476). Invitae Evidence Modeling incorporating data from in vitro experimental studies (internal data) indicates that this missense variant is not expected to disrupt MAP2K2 function with a negative predictive value of 95%. In summary, the available evidence is currently insufficient to determine the role of this variant in disease. Therefore, it has been classified as a Variant of Uncertain Significance.

Fulgent Genetics
Classification: Uncertain significance for Cardiofaciocutaneous syndrome 4. Last evaluated: 2024-05-10. Review status: criteria provided, single submitter. Criteria: ACMG Guidelines, 2015. Collection method: clinical testing. Allele origin: germline.

Women's Health and Genetics/Laboratory Corporation of America, LabCorp
Classification: Likely benign. Last evaluated: 2024-02-19. Review status: criteria provided, single submitter. Criteria: LabCorp Variant Classification Summary - May 2015. Collection method: clinical testing. Allele origin: germline.
Comment: Variant summary: MAP2K2 c.847G>A (p.Val283Met) results in a conservative amino acid change located in the Protein kinase domain (IPR000719) of the encoded protein sequence. Four of five in-silico tools predict a benign effect of the variant on protein function. The variant allele was found at a frequency of 2.9e-05 in 1605814 control chromosomes in the gnomAD database, including 1 homozygotes. The observed variant frequency is approximately 11 fold of the estimated maximal expected allele frequency for a pathogenic variant in MAP2K2 causing Noonan Syndrome And Related Conditions phenotype (2.5e-06), strongly suggesting that the variant is benign. To our knowledge, no occurrence of c.847G>A in individuals affected with Noonan Syndrome And Related Conditions and no experimental evidence demonstrating its impact on protein function have been reported. ClinVar contains an entry for this variant (Variation ID: 496476). Based on the evidence outlined above, the variant was classified as likely benign.

Blueprint Genetics
Classification: Likely benign. Last evaluated: 2023-09-01. Review status: criteria provided, single submitter. Criteria: ACMG Guidelines, 2015. Collection method: clinical testing. Allele origin: germline.